The following is an entry in ClinVar:

ClinVar aggregate classification (germline): Uncertain significance (1 of 4 stars; one submission).

Submission:

GeneDx
Classification: Uncertain significance. Last evaluated: 2019-08-11. Review status: criteria provided, single submitter. Criteria: GeneDx Variant Classification Process June 2021. Collection method: clinical testing. Allele origin: germline. Affected: yes.
Comment: Has not been previously published as pathogenic or benign to our knowledge; Not observed in large population cohorts (Lek et al., 2016); In silico analysis, which includes protein predictors and evolutionary conservation, supports a deleterious effect

NM_002677.5(PMP2):c.284T>G (p.Val95Gly)

Gene: PMP2 (peripheral myelin protein 2; minus strand). Cytogenetic location: 8q21.13.
Variant type: single nucleotide variant.
Coding change: c.284T>G on transcript NM_002677.5 (MANE Select); coding-DNA position 284, T replaced by G.
Protein change: p.Val95Gly; replaces valine 95 with glycine.
Molecular consequence: missense variant.
Genome position (GRCh38, 1-based): chr8:81,444,564, A>C on the plus strand (T>G on the coding strand, the complement: PMP2 is on the minus strand). VCF-style: chr8-81444564-A-C. GRCh37 (hg19) VCF-style: chr8-82356799-A-C.
Other names: c.111T>G, p.Ser37Arg (NM_001348381.2); short protein forms S37R, V95G.
Identifiers: ClinVar variation 1307718 (VCV001307718.2), dbSNP rs1402585604, ClinGen allele CA371517390.